The following is an entry in ClinVar:

NM_000065.5(C6):c.446-1G>A

Gene: C6 (complement C6; minus strand). Cytogenetic location: 5p13.1.
Variant type: single nucleotide variant.
Coding change: c.446-1G>A on transcript NM_000065.5 (MANE Select); the canonical splice acceptor site of the intron before coding-DNA position 446, G replaced by A.
Molecular consequence: splice acceptor variant.
Genome position (GRCh38, 1-based): chr5:41,195,934, C>T on the plus strand (G>A on the coding strand, the complement: C6 is on the minus strand). VCF-style: chr5-41195934-C-T. GRCh37 (hg19) VCF-style: chr5-41196036-C-T.
Other names: c.446-1G>A (NM_001115131.4).
Identifiers: ClinVar variation 2833815 (VCV002833815.3), dbSNP rs2479052253, ClinGen allele CA359604161.

ClinVar aggregate classification (germline): Likely pathogenic (1 of 4 stars; one submission).

Submission:

Labcorp Genetics (formerly Invitae), Labcorp
Classification: Likely pathogenic. Last evaluated: 2024-10-22. Review status: criteria provided, single submitter. Criteria: Invitae Variant Classification Sherloc (09022015). Collection method: clinical testing. Allele origin: germline.
Comment: This sequence change affects an acceptor splice site in intron 4 of the C6 gene. It is expected to disrupt RNA splicing. Variants that disrupt the donor or acceptor splice site typically lead to a loss of protein function (PMID: 16199547), and loss-of-function variants in C6 are known to be pathogenic (PMID: 17257682). This variant is not present in population databases (gnomAD no frequency). This variant has not been reported in the literature in individuals affected with C6-related conditions. Algorithms developed to predict the effect of sequence changes on RNA splicing suggest that this variant may disrupt the consensus splice site. In summary, the currently available evidence indicates that the variant is pathogenic, but additional data are needed to prove that conclusively. Therefore, this variant has been classified as Likely Pathogenic.

Literature cited by the submitters: PubMed 16199547; PubMed 17257682.